The following is an entry in ClinVar:

NM_003718.5(CDK13):c.115C>T (p.Leu39=)

Gene: CDK13 (cyclin dependent kinase 13; plus strand). Cytogenetic location: 7p14.1.
Variant type: single nucleotide variant.
Coding change: c.115C>T on transcript NM_003718.5 (MANE Select); coding-DNA position 115, C replaced by T.
Protein change: p.Leu39=; no amino-acid change (leucine 39 retained).
Molecular consequence: synonymous variant.
Genome position (GRCh38, 1-based): chr7:39,950,756, C>T. VCF-style: chr7-39950756-C-T. GRCh37 (hg19) VCF-style: chr7-39990355-C-T.
Other names: c.115C>T, p.Leu39= (NM_031267.4).
Identifiers: ClinVar variation 725119 (VCV000725119.15), dbSNP rs756090286, ClinGen allele CA4228304.

ClinVar aggregate classification (germline): Benign/Likely benign. Review status: criteria provided, multiple submitters, no conflicts (2 of 4 stars). 3 submissions from 3 submitters: Benign (1); Likely benign (2). Last evaluated 2026-07-01.

Conditions:
CDK13-related disorder. Also called: CDK13-related condition. Identifiers: MedGen C5816700.

Allele frequency attached by ClinVar (database versions not stated): ExAC below 0.00001; gnomAD exomes 0.00051 and 0.00092; gnomAD 0.00052 and 0.00056; TOPMed 0.00053.

Submissions (3):

CeGaT Center for Human Genetics Tuebingen
Classification: Likely benign. Last evaluated: 2026-07-01. Review status: criteria provided, single submitter. Criteria: CeGaT Center For Human Genetics Tuebingen Variant Classification Criteria Version 2. Collection method: clinical testing. Allele origin: germline. Affected: yes. Observed: 4 variant alleles.
Comment: CDK13: BP4, BP7, BS1

Labcorp Genetics (formerly Invitae), Labcorp
Classification: Benign. Last evaluated: 2025-11-29. Review status: criteria provided, single submitter. Criteria: Invitae Variant Classification Sherloc (09022015). Collection method: clinical testing. Allele origin: germline.

PreventionGenetics, part of Exact Sciences
Classification: Likely benign for CDK13-related condition. Last evaluated: 2025-02-21. Review status: criteria provided, single submitter. Criteria: ACMG Guidelines, 2015. Collection method: clinical testing. Allele origin: germline.
Comment: This variant is classified as likely benign based on ACMG/AMP sequence variant interpretation guidelines (Richards et al. 2015 PMID: 25741868, with internal and published modifications).